The following is an entry in ClinVar:

ClinVar aggregate classification (germline): Conflicting classifications of pathogenicity. Review status: criteria provided, conflicting classifications (1 of 4 stars). 2 submissions from 2 submitters: Uncertain significance (1); Likely benign (1). Last evaluated 2026-01-15.

Conditions:
Muscular dystrophy-dystroglycanopathy type B6 (MDDGB6). Also called: MUSCULAR DYSTROPHY, CONGENITAL, LARGE-RELATED; MUSCULAR DYSTROPHY, CONGENITAL, TYPE 1D; MUSCULAR DYSTROPHY-DYSTROGLYCANOPATHY (CONGENITAL WITH IMPAIRED INTELLECTUAL DEVELOPMENT), TYPE B, 6. Identifiers: MedGen C1837229, MONDO:0012138, OMIM 608840.

Allele frequency attached by ClinVar (database versions not stated): ExAC 0.00001; gnomAD exomes 0.00003; TOPMed 0.00003; gnomAD 0.00006 and 0.00007; ESP Exome Variant Server 0.00015; 1000 Genomes Project 30x 0.00016.
gnomAD v4.1: 48 of 1,612,398 alleles (0.003%); highest among the groups gnomAD compares: Non-Finnish European, 0.0039%; no homozygotes.

Submissions (2):

Labcorp Genetics (formerly Invitae), Labcorp
Classification: Likely benign for Muscular dystrophy-dystroglycanopathy type B6. Last evaluated: 2026-01-15. Review status: criteria provided, single submitter. Criteria: Invitae Variant Classification Sherloc (09022015). Collection method: clinical testing. Allele origin: germline.

CeGaT Center for Human Genetics Tuebingen
Classification: Uncertain significance. Last evaluated: 2024-02-01. Review status: criteria provided, single submitter. Criteria: CeGaT Center For Human Genetics Tuebingen Variant Classification Criteria Version 2. Collection method: clinical testing. Allele origin: germline. Affected: yes. Observed: 1 variant allele.
Comment: LARGE1: PM2, BP4

NM_133642.5(LARGE1):c.252C>T (p.Ser84=)

Gene: LARGE1 (LARGE xylosyl- and glucuronyltransferase 1; minus strand). Cytogenetic location: 22q12.3.
Variant type: single nucleotide variant.
Coding change: c.252C>T on transcript NM_133642.5 (MANE Select); coding-DNA position 252, C replaced by T.
Protein change: p.Ser84=; no amino-acid change (serine 84 retained).
Molecular consequence: synonymous variant.
Genome position (GRCh38, 1-based): chr22:33,650,523, G>A on the plus strand (C>T on the coding strand, the complement: LARGE1 is on the minus strand). VCF-style: chr22-33650523-G-A. GRCh37 (hg19) VCF-style: chr22-34046509-G-A.
Other names: c.252C>T, p.Ser84= (NM_001362949.2, NM_001362951.2, NM_001362953.2 and 7 more transcripts).
Identifiers: ClinVar variation 1150048 (VCV001150048.31), dbSNP rs56202589, ClinGen allele CA10203109.
Genomic context (GRCh38, chr22:33,650,523, plus strand): 5'-CATGGAGTAGGTCTTGGAGTGGTTGCCTCGGCGATGGGATGGGGCTCGGCCCTGGGCCAG[G>A]CTGAGCTGCCTGCGGAGGGCGCGGTTCTCCTCCTCCACCTCGCGCATGCGCACCTCCAGG-3'
Protein context (NP_598397.1, residues 74-94): EENRALRRQL[Ser84=]LAQGRAPSHR